The following is an entry in ClinVar:

NM_001130004.2(ACTN1):c.2398G>A (p.Ala800Thr)

Gene: ACTN1 (actinin alpha 1; minus strand). Cytogenetic location: 14q24.1.
Variant type: single nucleotide variant.
Coding change: c.2398G>A on transcript NM_001130004.2 (MANE Select); coding-DNA position 2398, G replaced by A.
Protein change: p.Ala800Thr; replaces alanine 800 with threonine.
Molecular consequence: missense variant. On other transcripts: intron variant (16).
Genome position (GRCh38, 1-based): chr14:68,878,487, C>T on the plus strand (G>A on the coding strand, the complement: ACTN1 is on the minus strand). VCF-style: chr14-68878487-C-T. GRCh37 (hg19) VCF-style: chr14-69345204-C-T.
Other names: c.2317G>A, p.Ala773Thr (NM_001130005.2, NM_001424014.1); c.2341G>A, p.Ala781Thr (NM_001411035.1); c.2254G>A, p.Ala752Thr (NM_001424022.1); c.2215G>A, p.Ala739Thr (NM_001424024.1); c.2134G>A, p.Ala712Thr (NM_001424027.1); c.2122G>A, p.Ala708Thr (NM_001424028.1); c.2098-1247G>A (NM_001424029.1); c.2178+502G>A (NM_001424025.1, NM_001424019.1); and 11 more; short protein forms A708T, A712T, A739T, A752T, A773T, A781T, A800T.
Identifiers: ClinVar variation 3611431 (VCV003611431.2).

ClinVar aggregate classification (germline): Uncertain significance (1 of 4 stars; one submission).

gnomAD v4.1: 35 of 1,578,276 alleles (0.0022%); highest among the groups gnomAD compares: African/African-American, 0.0027%; no homozygotes.

Submission:

Labcorp Genetics (formerly Invitae), Labcorp
Classification: Uncertain significance. Last evaluated: 2024-12-19. Review status: criteria provided, single submitter. Criteria: Invitae Variant Classification Sherloc (09022015). Collection method: clinical testing. Allele origin: germline.
Comment: This sequence change replaces alanine, which is neutral and non-polar, with threonine, which is neutral and polar, at codon 800 of the ACTN1 protein (p.Ala800Thr). This variant is present in population databases (rs371536376, gnomAD 0.008%). This variant has not been reported in the literature in individuals affected with ACTN1-related conditions. Invitae Evidence Modeling of protein sequence and biophysical properties (such as structural, functional, and spatial information, amino acid conservation, physicochemical variation, residue mobility, and thermodynamic stability) indicates that this missense variant is not expected to disrupt ACTN1 protein function with a negative predictive value of 80%. In summary, the available evidence is currently insufficient to determine the role of this variant in disease. Therefore, it has been classified as a Variant of Uncertain Significance.